The following is an entry in ClinVar:

NM_001609.4(ACADSB):c.1169G>C (p.Gly390Ala)

Gene: ACADSB (acyl-CoA dehydrogenase short/branched chain; plus strand). Cytogenetic location: 10q26.13.
Variant type: single nucleotide variant.
Coding change: c.1169G>C on transcript NM_001609.4 (MANE Select); coding-DNA position 1169, G replaced by C.
Protein change: p.Gly390Ala; replaces glycine 390 with alanine.
Molecular consequence: missense variant.
Genome position (GRCh38, 1-based): chr10:123,053,101, G>C. VCF-style: chr10-123053101-G-C. GRCh37 (hg19) VCF-style: chr10-124812617-G-C.
Other names: c.863G>C, p.Gly288Ala (NM_001330174.3); short protein forms G288A, G390A.
Identifiers: ClinVar variation 4854412 (VCV004854412.1).
Genomic context (GRCh38, chr10:123,053,101, plus strand): 5'-TTTGCACTTGCTTTTGGTAGATTGCAGGACAAACAACGAGTAAATGTATCGAGTGGATGG[G>C]GGGAGTAGGCTACACCAAAGATTACCCTGTGGAGAAATACTTCCGAGATGCAAAGATTGG-3'
Protein context (NP_001600.1, residues 380-400): QTTSKCIEWM[Gly390Ala]GVGYTKDYPV

ClinVar aggregate classification (germline): Uncertain significance (1 of 4 stars; one submission).

Conditions:
Deficiency of 2-methylbutyryl-CoA dehydrogenase (ACADSB). Also called: 2-methylbutyrylglycinuria; Short branched-chain acyl-CoA dehydrogenase deficiency; 2-methylbutyryl-CoA dehydrogenase deficiency; SBCAD deficiency; 2-methylbutyric aciduria. Identifiers: Orphanet 79157, MedGen C1864912, MONDO:0012392, OMIM 610006, HP:0020147.

gnomAD v4.1: 1 of 1,614,134 alleles (0.000062%); highest among the groups gnomAD compares: Non-Finnish European, 0.000085%; no homozygotes.

Submission:

3billion
Classification: Uncertain significance for Deficiency of 2-methylbutyryl-CoA dehydrogenase. Last evaluated: 2025-05-07. Review status: criteria provided, single submitter. Criteria: ACMG Guidelines, 2015. Collection method: clinical testing. Allele origin: germline. Affected: yes.
Comment: The variant is observed at an extremely low frequency in the gnomAD v4.1.0 dataset (total allele frequency: <0.001%). Predicted Consequence/Location: Missense variant In silico tool predictions suggest damaging effect of the variant on gene or gene product [REVEL: 0.99 (>=0.6, sensitivity 0.68 and specificity 0.92); 3Cnet: 0.99 (> 0.75, sensitivity 0.96 and precision 0.92)]. Different missense changes at the same codon have been reported as of uncertain significance (ClinVar ID: VCV000659656). Therefore, this variant is classified as VUS according to the recommendation of ACMG/AMP guideline.